The following is an entry in ClinVar:

ClinVar aggregate classification (germline): Pathogenic (1 of 4 stars; one submission).

Submission:

GeneDx
Classification: Pathogenic. Last evaluated: 2015-05-27. Review status: criteria provided, single submitter. Criteria: GeneDx Variant Classification (06012015). Collection method: clinical testing. Allele origin: germline. Affected: yes.
Comment: The Q366X variant in the EFTUD2 gene has not been reported previously as a pathogenic variantnor as a benign polymorphism, to our knowledge. This variant is predicted to cause loss of normal proteinfunction either through protein truncation or nonsense-mediated mRNA decay. The Q366X variant wasnot observed in approximately 6500 individuals of European and African American ancestry in the NHLBIExome Sequencing Project, indicating it is not a common benign variant in these populations. Proteintruncating variants downstream of this variant have been reported in the Human Gene MutationDatabase in association with mandibulofacial dysostosis (Stenson et al., 2014), supporting the pathogenicityof more upstream truncating mutations. We interpret Q366X as a pathogenic variant.

NM_004247.4(EFTUD2):c.1096C>T (p.Gln366Ter)

Gene: EFTUD2 (elongation factor Tu GTP binding domain containing 2; minus strand). Cytogenetic location: 17q21.31.
Variant type: single nucleotide variant.
Coding change: c.1096C>T on transcript NM_004247.4 (MANE Select); coding-DNA position 1096, C replaced by T.
Protein change: p.Gln366Ter; replaces glutamine 366 with a stop codon.
Molecular consequence: nonsense.
Genome position (GRCh38, 1-based): chr17:44,867,860, G>A on the plus strand (C>T on the coding strand, the complement: EFTUD2 is on the minus strand). VCF-style: chr17-44867860-G-A. GRCh37 (hg19) VCF-style: chr17-42945228-G-A.
Other names: c.991C>T, p.Gln331Ter (NM_001142605.2); c.1096C>T, p.Gln366Ter (NM_001258353.2); c.1066C>T, p.Gln356Ter (NM_001258354.2); short protein forms Q366*, Q356*, Q331*.
Identifiers: ClinVar variation 379737 (VCV000379737.2), dbSNP rs1057520720, ClinGen allele CA16607653.